The following is an entry in ClinVar:

NM_004985.5(KRAS):c.401C>G (p.Ala134Gly)

Gene: KRAS (KRAS proto-oncogene, GTPase; minus strand). Cytogenetic location: 12p12.1.
Variant type: single nucleotide variant.
Coding change: c.401C>G on transcript NM_004985.5 (MANE Select); coding-DNA position 401, C replaced by G.
Protein change: p.Ala134Gly; replaces alanine 134 with glycine.
Molecular consequence: missense variant.
Genome position (GRCh38, 1-based): chr12:25,225,663, G>C on the plus strand (C>G on the coding strand, the complement: KRAS is on the minus strand). VCF-style: chr12-25225663-G-C. GRCh37 (hg19) VCF-style: chr12-25378597-G-C.
Other names: c.401C>G, p.Ala134Gly (NM_001369786.1, NM_001369787.1, NM_033360.4); c.401C>G (NM_004985.3); short protein forms A134G.
Identifiers: ClinVar variation 1677688 (VCV001677688.2), dbSNP rs373500216, ClinGen allele CA234219629.

ClinVar aggregate classification (germline): Uncertain significance. Review status: criteria provided, multiple submitters, no conflicts (2 of 4 stars). 2 submissions from 2 submitters: Uncertain significance (2). Last evaluated 2023-12-06.

Allele frequency attached by ClinVar (database versions not stated): gnomAD exomes below 0.00001; TOPMed below 0.00001; ESP Exome Variant Server 0.00008.
gnomAD v4.1: 1 of 1,613,142 alleles (0.000062%); highest among the groups gnomAD compares: Non-Finnish European, 0.000085%; no homozygotes.

Submissions (2):

GeneDx
Classification: Uncertain significance. Last evaluated: 2023-12-06. Review status: criteria provided, single submitter. Criteria: GeneDx Variant Classification Process June 2021. Collection method: clinical testing. Allele origin: germline. Affected: yes.
Comment: Not observed at significant frequency in large population cohorts (gnomAD); In silico analysis supports that this missense variant has a deleterious effect on protein structure/function; Missense variants in this gene are a common cause of disease and they are underrepresented in the general population; This variant is associated with the following publications: (PMID: 31117243, 35813072)

AiLife Diagnostics
Classification: Uncertain significance. Last evaluated: 2021-12-14. Review status: criteria provided, single submitter. Criteria: ACMG Guidelines, 2015. Collection method: clinical testing. Allele origin: germline. Affected: yes. Observed: 1 variant allele.